The following is an entry in ClinVar:

NM_001267550.2(TTN):c.31594+16T>C

Gene: TTN (titin; minus strand). Cytogenetic location: 2q31.2.
Variant type: single nucleotide variant.
Coding change: c.31594+16T>C on transcript NM_001267550.2 (MANE Select); 16 bases into the intron after coding-DNA position 31594, T replaced by C.
Molecular consequence: intron variant.
Genome position (GRCh38, 1-based): chr2:178,693,593, A>G on the plus strand (T>C on the coding strand, the complement: TTN is on the minus strand). VCF-style: chr2-178693593-A-G. GRCh37 (hg19) VCF-style: chr2-179558320-A-G.
Other names: c.30643+16T>C (NM_001256850.1); c.13282+44489T>C (NM_003319.4); c.13858+44489T>C (NM_133437.4); c.13657+44489T>C (NM_133432.3); c.27862+16T>C (NM_133378.4).
Identifiers: ClinVar variation 516811 (VCV000516811.10), dbSNP rs552832521, ClinGen allele CA1998906.

ClinVar aggregate classification (germline): Likely benign. Review status: criteria provided, multiple submitters, no conflicts (2 of 4 stars). 3 submissions from 3 submitters: Likely benign (3). Last evaluated 2026-01-07.

Conditions:
Autosomal recessive limb-girdle muscular dystrophy type 2J (LGMDR10). Also called: Limb-girdle muscular dystrophy, type 2J; MUSCULAR DYSTROPHY, LIMB-GIRDLE, AUTOSOMAL RECESSIVE 10. Identifiers: Orphanet 140922, MedGen C1837342, MONDO:0012127, OMIM 608807.
Dilated cardiomyopathy 1G (CMD1G). Identifiers: Orphanet 154, MedGen C1858763, MONDO:0011400, OMIM 604145.

Allele frequency attached by ClinVar (database versions not stated): TOPMed 0.00011; gnomAD 0.00012 and 0.00015; ExAC 0.00034.
gnomAD v4.1: 200 of 1,525,418 alleles (0.013%); highest among the groups gnomAD compares: South Asian, 0.12%; 4 homozygotes.

Submissions (3):

Labcorp Genetics (formerly Invitae), Labcorp
Classification: Likely benign for Dilated cardiomyopathy 1G; Autosomal recessive limb-girdle muscular dystrophy type 2J. Last evaluated: 2026-01-07. Review status: criteria provided, single submitter. Criteria: Invitae Variant Classification Sherloc (09022015). Collection method: clinical testing. Allele origin: germline.

Blueprint Genetics
Classification: Likely benign. Last evaluated: 2024-01-18. Review status: criteria provided, single submitter. Criteria: ACMG Guidelines, 2015. Collection method: clinical testing. Allele origin: germline.

GeneDx
Classification: Likely benign. Last evaluated: 2017-12-01. Review status: criteria provided, single submitter. Criteria: GeneDx Variant Classification (06012015). Collection method: clinical testing. Allele origin: germline. Affected: yes.
Comment: This variant is considered likely benign or benign based on one or more of the following criteria: it is a conservative change, it occurs at a poorly conserved position in the protein, it is predicted to be benign by multiple in silico algorithms, and/or has population frequency not consistent with disease.